The following is an entry in ClinVar:

ClinVar aggregate classification (germline): Likely pathogenic. Review status: criteria provided, single submitter (1 of 4 stars). 2 submissions from 2 submitters: Likely pathogenic (1). 1 of the submissions does not count toward it. Last evaluated 2024-06-07.

Conditions:
Pigmentary retinal dystrophy. Also called: Fundus albipunctatus. Identifiers: Orphanet 227796, Orphanet 52427, MedGen C0311338, MONDO:0007639, OMIM 136880, HP:0030642.
RDH5-related disorder. Also called: RDH5-related condition.

Submissions (2):

Blueprint Genetics
Classification: Likely pathogenic for RDH5-related disorders. Last evaluated: 2024-06-07. Review status: criteria provided, single submitter. Criteria: ACMG Guidelines, 2015. Collection method: clinical testing. Allele origin: germline. Affected: yes. Observed: 3 variant alleles.

Department of Animal Sciences, Quaid-i-Azam University
Classification: Likely pathogenic for Pigmentary retinal dystrophy. Last evaluated: 2018-05-05. Review status: no assertion criteria provided. Collection method: research. Allele origin: inherited. Inheritance: Autosomal recessive inheritance. Affected: yes. Observed: 7 variant alleles, 7 homozygotes. Clinical features observed: Pigmentary retinal dystrophy (HP:0030642). Not counted in ClinVar's aggregate classification.
Comment: Novel splice donor variant at first exon/intron boundary of RDH5 (NM_002905.3: c.-33+2dup) segregated with the fundus albipunctatus in two families.

NM_002905.5(RDH5):c.-33+2dup

Genes: BLOC1S1-RDH5 (BLOC1S1-RDH5 readthrough; plus strand), RDH5 (retinol dehydrogenase 5; plus strand). Cytogenetic location: 12q13.2.
Variant type: Duplication.
Coding change: c.-33+2dup on transcript NM_002905.5 (MANE Select); the canonical splice donor site of the intron after 33 bases upstream of the start codon, one base duplicated (T; older notation c.-33+2dupT).
Molecular consequence: splice donor variant.
Genome position (GRCh38, 1-based): chr12:55,720,519, T duplicated. VCF-style (leftmost placement, unchanged base first): chr12-55720518-G-GT. GRCh37 (hg19) VCF-style: chr12-56114302-G-GT.
Other names: c.-38+2dup (NM_001199771.3).
Identifiers: ClinVar variation 623474 (VCV000623474.4), dbSNP rs1565653781, ClinGen allele CA913190724.